The following is an entry in ClinVar:

NM_006514.4(SCN10A):c.1004A>G (p.Asn335Ser)

Gene: SCN10A (sodium voltage-gated channel alpha subunit 10; minus strand). Cytogenetic location: 3p22.2.
Variant type: single nucleotide variant.
Coding change: c.1004A>G on transcript NM_006514.4 (MANE Select); coding-DNA position 1004, A replaced by G.
Protein change: p.Asn335Ser; replaces asparagine 335 with serine.
Molecular consequence: missense variant.
Genome position (GRCh38, 1-based): chr3:38,757,106, T>C on the plus strand (A>G on the coding strand, the complement: SCN10A is on the minus strand). VCF-style: chr3-38757106-T-C. GRCh37 (hg19) VCF-style: chr3-38798597-T-C.
Other names: c.1004A>G, p.Asn335Ser (NM_001293306.2, NM_001293307.2); short protein forms N335S.
Identifiers: ClinVar variation 426312 (VCV000426312.4), dbSNP rs966272776, ClinGen allele CA72991635.

ClinVar aggregate classification (germline): Uncertain significance. Review status: criteria provided, multiple submitters, no conflicts (2 of 4 stars). 2 submissions from 2 submitters: Uncertain significance (2). Last evaluated 2024-11-10.

Conditions:
Brugada syndrome. Also called: Sudden unexplained nocturnal death syndrome; Sudden unexpected nocturnal death syndrome; Sudden Unexplained Nocturnal Death Syndrome (SUNDS); Sudden Unexplained Death Syndrome. Identifiers: Orphanet 130, MedGen C1142166, MONDO:0015263.

Allele frequency attached by ClinVar (database versions not stated): gnomAD 0.00001; gnomAD exomes 0.00001; TOPMed 0.00001.
gnomAD v4.1: 18 of 1,613,454 alleles (0.0011%); highest among the groups gnomAD compares: Non-Finnish European, 0.0014%; no homozygotes.

Submissions (2):

Labcorp Genetics (formerly Invitae), Labcorp
Classification: Uncertain significance for Brugada syndrome. Last evaluated: 2024-11-10. Review status: criteria provided, single submitter. Criteria: Invitae Variant Classification Sherloc (09022015). Collection method: clinical testing. Allele origin: germline.
Comment: This sequence change replaces asparagine, which is neutral and polar, with serine, which is neutral and polar, at codon 335 of the SCN10A protein (p.Asn335Ser). This variant is not present in population databases (gnomAD no frequency). This variant has not been reported in the literature in individuals affected with SCN10A-related conditions. ClinVar contains an entry for this variant (Variation ID: 426312). Invitae Evidence Modeling of protein sequence and biophysical properties (such as structural, functional, and spatial information, amino acid conservation, physicochemical variation, residue mobility, and thermodynamic stability) indicates that this missense variant is not expected to disrupt SCN10A protein function with a negative predictive value of 80%. In summary, the available evidence is currently insufficient to determine the role of this variant in disease. Therefore, it has been classified as a Variant of Uncertain Significance.

GeneDx
Classification: Uncertain significance. Last evaluated: 2017-04-20. Review status: criteria provided, single submitter. Criteria: GeneDx Variant Classification (06012015). Collection method: clinical testing. Allele origin: germline. Affected: yes.
Comment: A variant of uncertain significance has been identified in the SCN10A gene. The N335S variant has not been published as pathogenic or been reported as benign to our knowledge. Additionally, this variant is not observed in large population cohorts (Lek et al., 2016; 1000 Genomes Consortium et al., 2015; Exome Variant Server). However, the N335S variant is a conservative amino acid substitution, which is not likely to impact secondary protein structure as these residues share similar properties. Furthermore, this substitution occurs at a position that is not conserved across species and in silico analysis predicts this variant likely does not alter the protein structure/function.